The following is an entry in ClinVar:

ClinVar aggregate classification (germline): Uncertain significance (1 of 4 stars; one submission).

Conditions:
Peroxisome biogenesis disorder 7A (Zellweger). Also called: Peroxisome biogenesis disorder 7A. Identifiers: Orphanet 912, MedGen C3888385, MONDO:0013938, OMIM 614872.
Peroxisome biogenesis disorder 7B (PBD7B). Identifiers: Orphanet 44, MedGen C3553951, MONDO:0013939, OMIM 614873.

gnomAD v4.1: 4 of 1,599,102 alleles (0.00025%); highest among the groups gnomAD compares: Admixed American, 0.0017%; no homozygotes.

Submission:

Labcorp Genetics (formerly Invitae), Labcorp
Classification: Uncertain significance for Peroxisome biogenesis disorder 7A (Zellweger); Peroxisome biogenesis disorder 7B. Last evaluated: 2022-06-10. Review status: criteria provided, single submitter. Criteria: Invitae Variant Classification Sherloc (09022015). Collection method: clinical testing. Allele origin: germline.
Comment: This sequence change replaces alanine, which is neutral and non-polar, with valine, which is neutral and non-polar, at codon 75 of the PEX26 protein (p.Ala75Val). The frequency data for this variant in the population databases is considered unreliable, as metrics indicate poor data quality at this position in the gnomAD database. In summary, the available evidence is currently insufficient to determine the role of this variant in disease. Therefore, it has been classified as a Variant of Uncertain Significance. Algorithms developed to predict the effect of missense changes on protein structure and function (SIFT, PolyPhen-2, Align-GVGD) all suggest that this variant is likely to be tolerated. This variant has not been reported in the literature in individuals affected with PEX26-related conditions.

NM_001127649.3(PEX26):c.224C>T (p.Ala75Val)

Gene: PEX26 (peroxisomal biogenesis factor 26; plus strand). Cytogenetic location: 22q11.21.
Variant type: single nucleotide variant.
Coding change: c.224C>T on transcript NM_001127649.3 (MANE Select); coding-DNA position 224, C replaced by T.
Protein change: p.Ala75Val; replaces alanine 75 with valine.
Molecular consequence: missense variant.
Genome position (GRCh38, 1-based): chr22:18,078,600, C>T. VCF-style: chr22-18078600-C-T. GRCh37 (hg19) VCF-style: chr22-18561366-C-T.
Other names: c.224C>T, p.Ala75Val (NM_001199319.2, NM_017929.6); short protein forms A75V.
Identifiers: ClinVar variation 2004466 (VCV002004466.3), dbSNP rs1256569587, ClinGen allele CA410265381.